The following is an entry in ClinVar:

NM_000286.3(PEX12):c.239C>T (p.Ala80Val)

Gene: PEX12 (peroxisomal biogenesis factor 12; minus strand). Cytogenetic location: 17q12.
Variant type: single nucleotide variant.
Coding change: c.239C>T on transcript NM_000286.3 (MANE Select); coding-DNA position 239, C replaced by T.
Protein change: p.Ala80Val; replaces alanine 80 with valine.
Molecular consequence: missense variant.
Genome position (GRCh38, 1-based): chr17:35,577,479, G>A on the plus strand (C>T on the coding strand, the complement: PEX12 is on the minus strand). VCF-style: chr17-35577479-G-A. GRCh37 (hg19) VCF-style: chr17-33904498-G-A.
Other names: short protein forms A80V.
Identifiers: ClinVar variation 1000555 (VCV001000555.8), dbSNP rs2072793061, ClinGen allele CA399138563.
Genomic context (GRCh38, chr17:35,577,479, plus strand): 5'-GACTTGTGAGTGTCCCCCATTACAATTCTCTTTAAGCCGTAAAAGTTTTCAGAAAATGAG[G>A]CACTGGTTCTAGACAGATAATGTTGCTGGAGCAGAAGATCTAGCAGAGTAAAGATTTCAT-3'
Protein context (NP_000277.1, residues 70-90): LQQHYLSRTS[Ala80Val]SFSENFYGLK

ClinVar aggregate classification (germline): Uncertain significance (1 of 4 stars; one submission).

Conditions:
Peroxisome biogenesis disorder 3A (Zellweger). Also called: PEROXISOMAL BIOGENESIS DISORDER 3A (ZELLWEGER); Peroxisome biogenesis disorder 3A. Identifiers: Orphanet 912, MedGen C3553929, MONDO:0013927, OMIM 614859.

Submission:

Labcorp Genetics (formerly Invitae), Labcorp
Classification: Uncertain significance for Peroxisome biogenesis disorder 3A (Zellweger). Last evaluated: 2022-02-08. Review status: criteria provided, single submitter. Criteria: Invitae Variant Classification Sherloc (09022015). Collection method: clinical testing. Allele origin: germline.
Comment: This variant is not present in population databases (gnomAD no frequency). This variant has not been reported in the literature in individuals affected with PEX12-related conditions. ClinVar contains an entry for this variant (Variation ID: 1000555). Algorithms developed to predict the effect of missense changes on protein structure and function are either unavailable or do not agree on the potential impact of this missense change (SIFT: "Deleterious"; PolyPhen-2: "Probably Damaging"; Align-GVGD: "Class C0"). In summary, the available evidence is currently insufficient to determine the role of this variant in disease. Therefore, it has been classified as a Variant of Uncertain Significance. This sequence change replaces alanine, which is neutral and non-polar, with valine, which is neutral and non-polar, at codon 80 of the PEX12 protein (p.Ala80Val).